The following is an entry in ClinVar:

ClinVar aggregate classification (germline): Uncertain significance (1 of 4 stars; one submission).

Submission:

Dasa
Classification: Uncertain significance. Last evaluated: 2025-08-24. Review status: criteria provided, single submitter. Criteria: DASA Assertion Criteria. Collection method: clinical testing. Allele origin: germline.
Comment: NM_015978.3(TNNI3K):c.829G>T (p.Ala277Ser) is a missense variant that results in the substitution of alanine with serine. This variant is absent from population databases. Computational prediction algorithms are consistent with a deleterious effect. The currently available literature and clinical evidence are not sufficient to establish a definitive association between this variant and the reported condition. Therefore, this variant is classified as a variant of uncertain significance.

NM_015978.3(TNNI3K):c.829G>T (p.Ala277Ser)

Genes: FPGT-TNNI3K (FPGT-TNNI3K readthrough; plus strand), TNNI3K (TNNI3 interacting kinase; plus strand). Cytogenetic location: 1p31.1.
Variant type: single nucleotide variant.
Coding change: c.829G>T on transcript NM_015978.3 (MANE Select); coding-DNA position 829, G replaced by T.
Protein change: p.Ala277Ser; replaces alanine 277 with serine.
Molecular consequence: missense variant.
Genome position (GRCh38, 1-based): chr1:74,343,076, G>T. VCF-style: chr1-74343076-G-T. GRCh37 (hg19) VCF-style: chr1-74808760-G-T.
Other names: c.1132G>T, p.Ala378Ser (NM_001112808.3, NM_001199327.2); short protein forms A277S, A378S.
Identifiers: ClinVar variation 4881636 (VCV004881636.2).